The following is an entry in ClinVar:

ClinVar aggregate classification (germline): Benign/Likely benign. Review status: criteria provided, multiple submitters, no conflicts (2 of 4 stars). 7 submissions from 7 submitters: Benign (5); Likely benign (1). 1 of the submissions does not count toward it. Last evaluated 2026-02-04.

Conditions:
RYR1-related disorder. Also called: RYR1-related condition; RYR1-related disorders. Identifiers: MedGen CN239331.

Allele frequency attached by ClinVar (database versions not stated): gnomAD exomes 0.05549 and 0.06929; ESP Exome Variant Server 0.05644; TOPMed 0.06313; gnomAD 0.06555 and 0.06668; ExAC 0.06945; 1000 Genomes Project 30x 0.08307; 1000 Genomes Project 0.08466.
gnomAD v4.1: 91,478 of 1,609,466 alleles (5.7%); highest among the groups gnomAD compares: East Asian, 13%; 3,045 homozygotes.

Submissions (7):

Labcorp Genetics (formerly Invitae), Labcorp
Classification: Benign for RYR1-related disorder. Last evaluated: 2026-02-04. Review status: criteria provided, single submitter. Criteria: Invitae Variant Classification Sherloc (09022015). Collection method: clinical testing. Allele origin: germline.

Blueprint Genetics
Classification: Likely benign. Last evaluated: 2024-11-28. Review status: criteria provided, single submitter. Criteria: ACMG Guidelines, 2015. Collection method: clinical testing. Allele origin: germline.

PreventionGenetics, part of Exact Sciences
Classification: Benign. Last evaluated: 2018-03-29. Review status: criteria provided, single submitter. Criteria: ACMG Guidelines, 2015. Collection method: clinical testing. Allele origin: germline.

GeneDx
Classification: Benign. Last evaluated: 2015-08-19. Review status: criteria provided, single submitter. Criteria: GeneDx Variant Classification (06012015). Collection method: clinical testing. Allele origin: germline. Affected: yes.
Comment: This variant is considered likely benign or benign based on one or more of the following criteria: it is a conservative change, it occurs at a poorly conserved position in the protein, it is predicted to be benign by multiple in silico algorithms, and/or has population frequency not consistent with disease.

Eurofins Ntd Llc (ga)
Classification: Benign. Last evaluated: 2013-05-07. Review status: criteria provided, single submitter. Criteria: EGL Classification Definitions 2015. Collection method: clinical testing. Allele origin: germline. Observed: 5 variant alleles, 5 heterozygotes.

Breakthrough Genomics
Classification: Benign. Review status: criteria provided, single submitter. Criteria: ACMG Guidelines, 2015. Collection method: not provided. Allele origin: germline. Inheritance: Autosomal recessive inheritance. Affected: yes.

RYR1 database
No classification provided. Review status: no classification provided. Collection method: not provided. Allele origin: unknown. Not counted in ClinVar's aggregate classification.

NM_000540.3(RYR1):c.7323+20C>A

Gene: RYR1 (ryanodine receptor 1; plus strand). Cytogenetic location: 19q13.2.
Variant type: single nucleotide variant.
Coding change: c.7323+20C>A on transcript NM_000540.3 (MANE Select); 20 bases into the intron after coding-DNA position 7323, C replaced by A.
Molecular consequence: intron variant.
Genome position (GRCh38, 1-based): chr19:38,500,036, C>A. VCF-style: chr19-38500036-C-A. GRCh37 (hg19) VCF-style: chr19-38990676-C-A.
Other names: c.7323+20C>A (NM_001042723.2).
Identifiers: ClinVar variation 93286 (VCV000093286.13), dbSNP rs2234709, ClinGen allele CA024761.